The following is an entry in ClinVar:

ClinVar aggregate classification (germline): Likely pathogenic (1 of 4 stars; one submission).

Submission:

GeneDx
Classification: Likely pathogenic. Last evaluated: 2017-09-01. Review status: criteria provided, single submitter. Criteria: GeneDx Variant Classification (06012015). Collection method: clinical testing. Allele origin: germline. Affected: yes.
Comment: The c.3771delT variant has not been published as a pathogenic variant, nor has it been reported as a benign variant to our knowledge. The variant is not observed in large population cohorts (Lek et al., 2016; 1000 Genomes Consortium et al., 2015; Exome Variant Server). The c.3771delT variant causes a frameshift starting with codon Leucine 1258, changes this amino acid to a Serine residue and creates a premature Stop codon at position 24 of the new reading frame, denoted p.Leu1258SerfsX24. However, the variant is not predicted to lead to nonsense-mediated mRNA decay. In summary, this variant is likely pathogenic.

NM_000168.6(GLI3):c.3771del (p.Leu1258fs)

Gene: GLI3 (GLI family zinc finger 3; minus strand). Cytogenetic location: 7p14.1.
Variant type: Deletion.
Coding change: c.3771del on transcript NM_000168.6 (MANE Select); coding-DNA position 3771, one base deleted (T; older notation c.3771delT).
Protein change: p.Leu1258fs; shifts the reading frame from leucine 1258.
Molecular consequence: frameshift variant.
Genome position (GRCh38, 1-based): chr7:41,965,302, A deleted on the plus strand (T on the coding strand, the reverse complement: GLI3 is on the minus strand). VCF-style (leftmost placement, unchanged base first): chr7-41965301-GA-G. GRCh37 (hg19) VCF-style: chr7-42004899-GA-G.
Other names: short protein forms L1258fs.
Identifiers: ClinVar variation 451921 (VCV000451921.2), dbSNP rs1554304508, ClinGen allele CA658657669.